The following is an entry in ClinVar:

NM_201384.3(PLEC):c.2827G>A (p.Ala943Thr)

Gene: PLEC (plectin; minus strand). Cytogenetic location: 8q24.3.
Variant type: single nucleotide variant.
Coding change: c.2827G>A on transcript NM_201384.3 (MANE Select); coding-DNA position 2827, G replaced by A.
Protein change: p.Ala943Thr; replaces alanine 943 with threonine.
Molecular consequence: missense variant.
Genome position (GRCh38, 1-based): chr8:143,929,742, C>T on the plus strand (G>A on the coding strand, the complement: PLEC is on the minus strand). VCF-style: chr8-143929742-C-T. GRCh37 (hg19) VCF-style: chr8-145003910-C-T.
Other names: c.2908G>A, p.Ala970Thr (NM_000445.5, NM_001410941.1); c.2785G>A, p.Ala929Thr (NM_201378.4); c.2761G>A, p.Ala921Thr (NM_201379.3); c.3238G>A, p.Ala1080Thr (NM_201380.4); c.2731G>A, p.Ala911Thr (NM_201381.3); c.2827G>A, p.Ala943Thr (NM_201382.4); c.2839G>A, p.Ala947Thr (NM_201383.3); c.2908G>A (NM_000445.4); short protein forms A1080T, A911T, A921T, A929T, A943T, A947T, A970T.
Identifiers: ClinVar variation 2435032 (VCV002435032.6), dbSNP rs781983107, ClinGen allele CA4927333.

ClinVar aggregate classification (germline): Uncertain significance. Review status: criteria provided, multiple submitters, no conflicts (2 of 4 stars). 3 submissions from 3 submitters: Uncertain significance (3). Last evaluated 2026-04-21.

Conditions:
PLEC-related disorder. Also called: PLEC-related condition; PLEC-related disorders.
Epidermolysis bullosa simplex with nail dystrophy (EBS5D). Identifiers: MedGen C4225309, MONDO:0014661, OMIM 616487.
Epidermolysis bullosa simplex, Ogna type (EBS5A). Also called: Pidermolysis bullosa simplex 5A, Ogna type; EPIDERMOLYSIS BULLOSA SIMPLEX 5A, OGNA TYPE. Identifiers: Orphanet 79401, MedGen C0432317, MONDO:0007555, OMIM 131950.
Epidermolysis bullosa simplex 5C, with pyloric atresia (EBS5C). Also called: PLEC-Related Epidermolysis Bullosa with Pyloric Atresia; Epidermolysis bullosa simplex with pyloric atresia; PLEC1-Related Epidermolysis Bullosa with Pyloric Atresia. Identifiers: Orphanet 158684, MedGen C2677349, MONDO:0012807, OMIM 612138.
Autosomal recessive limb-girdle muscular dystrophy type 2Q (LGMDR17). Also called: MUSCULAR DYSTROPHY, LIMB-GIRDLE, AUTOSOMAL RECESSIVE 17. Identifiers: Orphanet 254361, MedGen C3150989, MONDO:0013390, OMIM 613723.
Epidermolysis bullosa simplex 5B, with muscular dystrophy (EBS5B). Also called: Epidermolysis bullosa simplex with muscular dystrophy; EPIDERMOLYSIS BULLOSA SIMPLEX AND LIMB-GIRDLE MUSCULAR DYSTROPHY. Identifiers: Orphanet 257, MedGen C2931072, MONDO:0009181, OMIM 226670.

Allele frequency attached by ClinVar (database versions not stated): ExAC 0.00002; TOPMed 0.00002; gnomAD 0.00003; gnomAD exomes 0.00003.
gnomAD v4.1: 50 of 1,599,550 alleles (0.0031%); highest among the groups gnomAD compares: Non-Finnish European, 0.004%; no homozygotes.

Submissions (3):

PreventionGenetics, part of Exact Sciences
Classification: Uncertain significance for PLEC-related condition. Last evaluated: 2026-04-21. Review status: criteria provided, single submitter. Criteria: ACMG Guidelines, 2015. Collection method: clinical testing. Allele origin: germline.
Comment: The PLEC c.2908G>A variant is predicted to result in the amino acid substitution p.Ala970Thr. To our knowledge, this variant has not been reported in the literature. This variant is reported in 0.0039% of alleles in individuals of European (Non-Finnish) descent in gnomAD. At this time, the clinical significance of this variant is uncertain due to the absence of conclusive functional and genetic evidence.

Labcorp Genetics (formerly Invitae), Labcorp
Classification: Uncertain significance for Autosomal recessive limb-girdle muscular dystrophy type 2Q; Epidermolysis bullosa simplex, Ogna type; Epidermolysis bullosa simplex with nail dystrophy; Epidermolysis bullosa simplex 5C, with pyloric atresia; Epidermolysis bullosa simplex 5B, with muscular dystrophy. Last evaluated: 2024-11-19. Review status: criteria provided, single submitter. Criteria: Invitae Variant Classification Sherloc (09022015). Collection method: clinical testing. Allele origin: germline.
Comment: This sequence change replaces alanine, which is neutral and non-polar, with threonine, which is neutral and polar, at codon 970 of the PLEC protein (p.Ala970Thr). This variant is present in population databases (rs781983107, gnomAD 0.004%). This variant has not been reported in the literature in individuals affected with PLEC-related conditions. ClinVar contains an entry for this variant (Variation ID: 2435032). Invitae Evidence Modeling of protein sequence and biophysical properties (such as structural, functional, and spatial information, amino acid conservation, physicochemical variation, residue mobility, and thermodynamic stability) indicates that this missense variant is not expected to disrupt PLEC protein function with a negative predictive value of 80%. In summary, the available evidence is currently insufficient to determine the role of this variant in disease. Therefore, it has been classified as a Variant of Uncertain Significance.

Revvity Omics, Revvity
Classification: Uncertain significance. Last evaluated: 2019-12-09. Review status: criteria provided, single submitter. Criteria: ACMG Guidelines, 2015. Collection method: clinical testing. Allele origin: germline.